The following is an entry in ClinVar:

NM_001163809.2(WDR81):c.5785C>T (p.Leu1929=)

Gene: WDR81 (WD repeat domain 81; plus strand). Cytogenetic location: 17p13.3.
Variant type: single nucleotide variant.
Coding change: c.5785C>T on transcript NM_001163809.2 (MANE Select); coding-DNA position 5785, C replaced by T.
Protein change: p.Leu1929=; no amino-acid change (leucine 1929 retained).
Molecular consequence: synonymous variant.
Genome position (GRCh38, 1-based): chr17:1,737,644, C>T. VCF-style: chr17-1737644-C-T. GRCh37 (hg19) VCF-style: chr17-1640938-C-T.
Other names: c.2176C>T, p.Leu726= (NM_001163673.2); c.2104C>T, p.Leu702= (NM_001163811.2); c.2632C>T, p.Leu878= (NM_152348.4).
Identifiers: ClinVar variation 4874016 (VCV004874016.2).
Genomic context (GRCh38, chr17:1,737,644, plus strand): 5'-TCTGAGAACTTCCGCGGCACGCTCACCAGCCTGGCCTTGCTGCCCACTAAACGCCACCTC[C>T]TGCTGGGCTCAGACAACGGGGTTATCCGCCTCCTGGCATAGACTGAGGCAGGAGCTGGCC-3'
Protein context (NP_001157281.1, residues 1919-1939): LALLPTKRHL[Leu1929=]LGSDNGVIRL

ClinVar aggregate classification (germline): Likely benign (1 of 4 stars; one submission).

gnomAD v4.1: 6 of 1,612,200 alleles (0.00037%); highest among the groups gnomAD compares: African/African-American, 0.0013%; no homozygotes.

Submission:

CeGaT Center for Human Genetics Tuebingen
Classification: Likely benign. Last evaluated: 2026-06-01. Review status: criteria provided, single submitter. Criteria: CeGaT Center For Human Genetics Tuebingen Variant Classification Criteria Version 2. Collection method: clinical testing. Allele origin: germline. Affected: yes. Observed: 1 variant allele.
Comment: WDR81: BP4, BP7